The following is an entry in ClinVar:

ClinVar aggregate classification (germline): Uncertain significance (1 of 4 stars; one submission).

Conditions:
Epileptic encephalopathy. Identifiers: MedGen C0543888, HP:0200134.

Allele frequency attached by ClinVar (database versions not stated): TOPMed 0.00001.
gnomAD v4.1: 2 of 1,610,896 alleles (0.00012%); highest among the groups gnomAD compares: African/African-American, 0.0013%; no homozygotes.

Submission:

Labcorp Genetics (formerly Invitae), Labcorp
Classification: Uncertain significance for Epileptic encephalopathy. Last evaluated: 2022-08-23. Review status: criteria provided, single submitter. Criteria: Invitae Variant Classification Sherloc (09022015). Collection method: clinical testing. Allele origin: germline.
Comment: In summary, the available evidence is currently insufficient to determine the role of this variant in disease. Therefore, it has been classified as a Variant of Uncertain Significance. Algorithms developed to predict the effect of missense changes on protein structure and function (SIFT, PolyPhen-2, Align-GVGD) all suggest that this variant is likely to be tolerated. ClinVar contains an entry for this variant (Variation ID: 582322). This variant has not been reported in the literature in individuals affected with RYR3-related conditions. This variant is present in population databases (no rsID available, gnomAD 0.007%). This sequence change replaces glutamic acid, which is acidic and polar, with aspartic acid, which is acidic and polar, at codon 88 of the RYR3 protein (p.Glu88Asp).

NM_001036.6(RYR3):c.264A>C (p.Glu88Asp)

Gene: RYR3 (ryanodine receptor 3; plus strand). Cytogenetic location: 15q14.
Variant type: single nucleotide variant.
Coding change: c.264A>C on transcript NM_001036.6 (MANE Select); coding-DNA position 264, A replaced by C.
Protein change: p.Glu88Asp; replaces glutamic acid 88 with aspartic acid.
Molecular consequence: missense variant.
Genome position (GRCh38, 1-based): chr15:33,503,723, A>C. VCF-style: chr15-33503723-A-C. GRCh37 (hg19) VCF-style: chr15-33795924-A-C.
Other names: c.264A>C, p.Glu88Asp (NM_001243996.4); short protein forms E88D.
Identifiers: ClinVar variation 582322 (VCV000582322.10), dbSNP rs756571013, ClinGen allele CA391567625.
Genomic context (GRCh38, chr15:33,503,723, plus strand): 5'-TGTGCTGGAACAGTCCCTATCTGTCAGAGCCCTGCAGGAAATGCTTGCCAACACAGGTGA[A>C]AATGGCGGCGAAGGGGTGAGTACCCGAATTGTGTCCTAGGTTGGGATTGGGGTGCACCAC-3'
Protein context (NP_001027.3, residues 78-98): ALQEMLANTG[Glu88Asp]NGGEGAAQGG